The following is an entry in ClinVar:

ClinVar aggregate classification (germline): Conflicting classifications of pathogenicity. Review status: criteria provided, conflicting classifications (1 of 4 stars). 5 submissions from 5 submitters: Uncertain significance (4); Likely benign (1). Last evaluated 2025-10-20.

Conditions:
RYR1-related disorder. Also called: RYR1-related condition; RYR1-related disorders. Identifiers: MedGen CN239331.
Malignant hyperthermia, susceptibility to, 1 (MHS1). Also called: RYR1-Related Malignant Hyperthermia Susceptibility; Malignant hyperthermia suceptibility 1; Anesthesia related hyperthermia; Malignant hyperpyrexia; Fulminating hyperpyrexia; Pharmacogenic myopathy. Identifiers: Orphanet 423, MedGen C2930980, MONDO:0007783, OMIM 145600.

Allele frequency attached by ClinVar (database versions not stated): gnomAD 0.00001; TOPMed 0.00002; ExAC 0.00003; gnomAD exomes 0.00003.
gnomAD v4.1: 18 of 1,612,186 alleles (0.0011%); highest among the groups gnomAD compares: Middle Eastern, 0.017%; 2 homozygotes.

Submissions (5):

Labcorp Genetics (formerly Invitae), Labcorp
Classification: Likely benign for RYR1-related disorder. Last evaluated: 2025-10-20. Review status: criteria provided, single submitter. Criteria: Invitae Variant Classification Sherloc (09022015). Collection method: clinical testing. Allele origin: germline.

All of Us Research Program, National Institutes of Health
Classification: Uncertain significance for Malignant hyperthermia, susceptibility to, 1. Last evaluated: 2023-12-13. Review status: criteria provided, single submitter. Criteria: ACMG Guidelines, 2015. Collection method: clinical testing. Allele origin: germline. Inheritance: Autosomal dominant inheritance. Observed: 5 variant alleles, 5 heterozygotes.
Comment: This missense variant replaces alanine with valine at codon 3385 of the RYR1 protein. Computational prediction suggests that this variant may not impact protein structure and function (internally defined REVEL score threshold <= 0.5, PMID: 27666373). To our knowledge, functional studies have not been reported for this variant. This variant has not been reported in individuals affected with RYR1-related disorders in the literature. This variant has been identified in 8/276148 chromosomes in the general population by the Genome Aggregation Database (gnomAD). The available evidence is insufficient to determine the role of this variant in disease conclusively. Therefore, this variant is classified as a Variant of Uncertain Significance.

This study involves interpretation of variants in research participants for the purpose of population health screening. Participant phenotype was not available at the time of variant classification. Additional details can be found in publication PMID: 35346344, PMCID: PMC8962531

Color Diagnostics, LLC DBA Color Health
Classification: Uncertain significance for Malignant hyperthermia, susceptibility to, 1. Last evaluated: 2023-11-08. Review status: criteria provided, single submitter. Criteria: ACMG Guidelines, 2015. Collection method: clinical testing. Allele origin: germline.
Comment: This missense variant replaces alanine with valine at codon 3385 of the RYR1 protein. Computational prediction suggests that this variant may not impact protein structure and function. To our knowledge, functional studies have not been reported for this variant. This variant has not been reported in individuals affected with RYR1-related disorders in the literature. This variant has been identified in 8/276148 chromosomes in the general population by the Genome Aggregation Database (gnomAD). The available evidence is insufficient to determine the role of this variant in disease conclusively. Therefore, this variant is classified as a Variant of Uncertain Significance.

Revvity Omics, Revvity
Classification: Uncertain significance. Last evaluated: 2023-02-13. Review status: criteria provided, single submitter. Criteria: ACMG Guidelines, 2015. Collection method: clinical testing. Allele origin: germline.

GeneDx
Classification: Uncertain significance. Last evaluated: 2017-10-26. Review status: criteria provided, single submitter. Criteria: GeneDx Variant Classification (06012015). Collection method: clinical testing. Allele origin: germline. Affected: yes.
Comment: The A3385V variant has not been published as a pathogenic variant, nor has it been reported as a benign variant to our knowledge. The A3385V variant is observed in 6/33,940 (0.02%) alleles from individuals of Latino background, including 1 homozygous individual in large population cohorts (Lek et al., 2016). This variant is a conservative amino acid substitution, which is not likely to impact secondary protein structure as these residues share similar properties. However, this substitution occurs at a position that is conserved in mammals. In silico analysis is inconsistent in its predictions as to whether or not the variant is damaging to the protein structure/function.

NM_000540.3(RYR1):c.10154C>T (p.Ala3385Val)

Gene: RYR1 (ryanodine receptor 1; plus strand). Cytogenetic location: 19q13.2.
Variant type: single nucleotide variant.
Coding change: c.10154C>T on transcript NM_000540.3 (MANE Select); coding-DNA position 10154, C replaced by T.
Protein change: p.Ala3385Val; replaces alanine 3385 with valine.
Molecular consequence: missense variant.
Genome position (GRCh38, 1-based): chr19:38,519,349, C>T. VCF-style: chr19-38519349-C-T. GRCh37 (hg19) VCF-style: chr19-39009989-C-T.
Other names: c.10154C>T, p.Ala3385Val (NM_001042723.2); short protein forms A3385V.
Identifiers: ClinVar variation 452986 (VCV000452986.14), dbSNP rs772566556, ClinGen allele CA052452.